The following is an entry in ClinVar:

NM_006421.5(ARFGEF1):c.3376G>C (p.Asp1126His)

Gene: ARFGEF1 (ARF guanine nucleotide exchange factor 1; minus strand). Cytogenetic location: 8q13.2.
Variant type: single nucleotide variant.
Coding change: c.3376G>C on transcript NM_006421.5 (MANE Select); coding-DNA position 3376, G replaced by C.
Protein change: p.Asp1126His; replaces aspartic acid 1126 with histidine.
Molecular consequence: missense variant. On other transcripts: non-coding transcript variant (1).
Genome position (GRCh38, 1-based): chr8:67,232,859, C>G on the plus strand (G>C on the coding strand, the complement: ARFGEF1 is on the minus strand). VCF-style: chr8-67232859-C-G. GRCh37 (hg19) VCF-style: chr8-68145094-C-G.
Other names: c.3376G>C, p.Asp1126His (NM_001413184.1, NM_001413185.1, NM_001413186.1 and 6 more transcripts); c.2776G>C, p.Asp926His (NM_001413188.1, NM_001413193.1, NM_001413197.1); c.3370G>C, p.Asp1124His (NM_001413190.1); c.1951G>C, p.Asp651His (NM_001413196.1); short protein forms D1124H, D651H, D926H, D1126H.
Identifiers: ClinVar variation 4795706 (VCV004795706.1).

ClinVar aggregate classification (germline): Uncertain significance (1 of 4 stars; one submission).

gnomAD v4.1: 2 of 1,601,678 alleles (0.00012%); highest among the groups gnomAD compares: Non-Finnish European, 0.00017%; no homozygotes.

Submission:

GeneDx
Classification: Uncertain significance. Last evaluated: 2025-08-12. Review status: criteria provided, single submitter. Criteria: GeneDx Variant Classification Process June 2021. Collection method: clinical testing. Allele origin: germline. Affected: yes.
Comment: Not observed at significant frequency in large population cohorts (gnomAD); In silico analysis supports that this missense variant has a deleterious effect on protein structure/function; Has not been previously published as pathogenic or benign to our knowledge